The following is an entry in ClinVar:

ClinVar aggregate classification (germline): Likely pathogenic. Review status: criteria provided, multiple submitters, no conflicts (2 of 4 stars). 2 submissions from 2 submitters: Likely pathogenic (2). Last evaluated 2025-04-15.

Conditions:
Usher syndrome type 1 (USH1). Also called: RETINITIS PIGMENTOSA AND CONGENITAL DEAFNESS. Identifiers: Orphanet 231169, Orphanet 886, MedGen C1568247, MONDO:0010168, OMIM 276900.

Submissions (2):

Myriad Genetics, Inc.
Classification: Likely pathogenic for Usher syndrome type 1. Last evaluated: 2025-04-15. Review status: criteria provided, single submitter. Criteria: Myriad Autosomal Dominant, Autosomal Recessive and X-Linked Classification Criteria (2023). Collection method: clinical testing. Allele origin: unknown.
Comment: NM_000260.3(MYO7A):c.593-1G>A is a variant in a canonical splice site classified as likely pathogenic in the context of MYO7A-related disorders. c.593-1G>A has not been observed in cases with relevant disease. Relevant functional assessments of this variant are not available in the literature. c.593-1G>A has not been observed in referenced population frequency databases. In summary, NM_000260.3(MYO7A):c.593-1G>A is a variant in a canonical splice site in a gene where loss of function is a known mechanism of disease and is predicted to disrupt protein function. Please note: this variant was assessed in the context of healthy population screening.

Labcorp Genetics (formerly Invitae), Labcorp
Classification: Likely pathogenic. Last evaluated: 2023-01-06. Review status: criteria provided, single submitter. Criteria: Invitae Variant Classification Sherloc (09022015). Collection method: clinical testing. Allele origin: germline.
Comment: In summary, the currently available evidence indicates that the variant is pathogenic, but additional data are needed to prove that conclusively. Therefore, this variant has been classified as Likely Pathogenic. Algorithms developed to predict the effect of sequence changes on RNA splicing suggest that this variant may disrupt the consensus splice site. This variant has not been reported in the literature in individuals affected with MYO7A-related conditions. This variant is not present in population databases (gnomAD no frequency). This sequence change affects an acceptor splice site in intron 6 of the MYO7A gene. It is expected to disrupt RNA splicing. Variants that disrupt the donor or acceptor splice site typically lead to a loss of protein function (PMID: 16199547), and loss-of-function variants in MYO7A are known to be pathogenic (PMID: 8900236, 25404053).

Literature cited by the submitters: PubMed 16199547 (cited by Labcorp Genetics (formerly Invitae), Labcorp); PubMed 8900236 (cited by Labcorp Genetics (formerly Invitae), Labcorp); PubMed 25404053 (cited by Labcorp Genetics (formerly Invitae), Labcorp).

NM_000260.4(MYO7A):c.593-1G>A

Gene: MYO7A (myosin VIIA; plus strand). Cytogenetic location: 11q13.5.
Variant type: single nucleotide variant.
Coding change: c.593-1G>A on transcript NM_000260.4 (MANE Select); the canonical splice acceptor site of the intron before coding-DNA position 593, G replaced by A.
Molecular consequence: splice acceptor variant.
Genome position (GRCh38, 1-based): chr11:77,156,861, G>A. VCF-style: chr11-77156861-G-A. GRCh37 (hg19) VCF-style: chr11-76867907-G-A.
Other names: c.560-1G>A (NM_001369365.1); c.593-1G>A (NM_001127180.2).
Identifiers: ClinVar variation 2026005 (VCV002026005.5), dbSNP rs2496748155, ClinGen allele CA381932008.